The following is an entry in ClinVar:

NM_001290060.2(SEMA3B):c.1572C>A (p.Thr524=)

Gene: SEMA3B (semaphorin 3B; plus strand). Cytogenetic location: 3p21.31.
Variant type: single nucleotide variant.
Coding change: c.1572C>A on transcript NM_001290060.2 (MANE Select); coding-DNA position 1572, C replaced by A.
Protein change: p.Thr524=; no amino-acid change (threonine 524 retained).
Molecular consequence: synonymous variant.
Genome position (GRCh38, 1-based): chr3:50,275,382, C>A. VCF-style: chr3-50275382-C-A. GRCh37 (hg19) VCF-style: chr3-50312813-C-A.
Other names: c.1569C>A, p.Thr523= (NM_001005914.3); c.1587C>A, p.Thr529= (NM_001290061.1); c.543C>A, p.Thr181= (NM_001290062.2, NM_001290063.2); c.1572C>A, p.Thr524= (NM_004636.4).
Identifiers: ClinVar variation 3354913 (VCV003354913.1).

ClinVar aggregate classification (germline): Likely benign (0 of 4 stars; one submission).

Conditions:
SEMA3B-related disorder. Also called: SEMA3B-related condition.

gnomAD v4.1: 8 of 1,590,168 alleles (0.0005%); highest among the groups gnomAD compares: Non-Finnish European, 0.0006%; no homozygotes.

Submission:

PreventionGenetics, part of Exact Sciences
Classification: Likely benign for SEMA3B-related condition. Last evaluated: 2024-07-18. Review status: no assertion criteria provided. Collection method: clinical testing. Allele origin: germline.
Comment: This variant is classified as likely benign based on ACMG/AMP sequence variant interpretation guidelines (Richards et al. 2015 PMID: 25741868, with internal and published modifications).